The following is an entry in ClinVar:

NM_138295.5(PKD1L1):c.1320G>A (p.Glu440=)

Gene: PKD1L1 (polycystin 1 like 1, transient receptor potential channel interacting; minus strand). Cytogenetic location: 7p12.3.
Variant type: single nucleotide variant.
Coding change: c.1320G>A on transcript NM_138295.5 (MANE Select); coding-DNA position 1320, G replaced by A.
Protein change: p.Glu440=; no amino-acid change (glutamic acid 440 retained).
Molecular consequence: synonymous variant.
Genome position (GRCh38, 1-based): chr7:47,908,159, C>T on the plus strand (G>A on the coding strand, the complement: PKD1L1 is on the minus strand). VCF-style: chr7-47908159-C-T. GRCh37 (hg19) VCF-style: chr7-47947756-C-T.
Identifiers: ClinVar variation 3058617 (VCV003058617.2), dbSNP rs755196397, ClinGen allele CA4254093.

ClinVar aggregate classification (germline): Likely benign (0 of 4 stars; one submission).

Conditions:
PKD1L1-related disorder. Also called: PKD1L1-related condition.

Allele frequency attached by ClinVar (database versions not stated): gnomAD exomes below 0.00001; ExAC 0.00001; TOPMed 0.00001.
gnomAD v4.1: 3 of 1,614,232 alleles (0.00019%); highest among the groups gnomAD compares: Middle Eastern, 0.016%; no homozygotes.

Submission:

PreventionGenetics, part of Exact Sciences
Classification: Likely benign for PKD1L1-related condition. Last evaluated: 2023-06-16. Review status: no assertion criteria provided. Collection method: clinical testing. Allele origin: germline.
Comment: This variant is classified as likely benign based on ACMG/AMP sequence variant interpretation guidelines (Richards et al. 2015 PMID: 25741868, with internal and published modifications).